The following is an entry in ClinVar:

NM_024529.5(CDC73):c.1184A>G (p.Gln395Arg)

Gene: CDC73 (cell division cycle 73; plus strand). Cytogenetic location: 1q31.2.
Variant type: single nucleotide variant.
Coding change: c.1184A>G on transcript NM_024529.5 (MANE Select); coding-DNA position 1184, A replaced by G.
Protein change: p.Gln395Arg; replaces glutamine 395 with arginine.
Molecular consequence: missense variant.
Genome position (GRCh38, 1-based): chr1:193,233,022, A>G. VCF-style: chr1-193233022-A-G. GRCh37 (hg19) VCF-style: chr1-193202152-A-G.
Other names: short protein forms Q395R.
Identifiers: ClinVar variation 654261 (VCV000654261.10), dbSNP rs374856513, ClinGen allele CA1303799.

ClinVar aggregate classification (germline): Uncertain significance. Review status: criteria provided, multiple submitters, no conflicts (2 of 4 stars). 2 submissions from 2 submitters: Uncertain significance (2). Last evaluated 2024-11-06.

Conditions:
Parathyroid carcinoma (PRTC). Also called: CDC73-Related Parathyroid Carcinoma; Parathyroid gland carcinoma. Identifiers: Orphanet 143, MedGen C0687150, MONDO:0012004, OMIM 608266, HP:0006780.
Hereditary cancer-predisposing syndrome. Also called: Neoplastic Syndromes, Hereditary; Tumor predisposition; Hereditary Cancer Syndrome; Hereditary neoplastic syndrome. Identifiers: Orphanet 140162, MedGen C0027672, MeSH D009386, MONDO:0015356.

Allele frequency attached by ClinVar (database versions not stated): gnomAD exomes below 0.00001; ExAC 0.00001; gnomAD 0.00001; ESP Exome Variant Server 0.00008.
gnomAD v4.1: 7 of 1,613,890 alleles (0.00043%); highest among the groups gnomAD compares: Non-Finnish European, 0.00059%; no homozygotes.

Submissions (2):

Labcorp Genetics (formerly Invitae), Labcorp
Classification: Uncertain significance for Parathyroid carcinoma. Last evaluated: 2024-11-06. Review status: criteria provided, single submitter. Criteria: Invitae Variant Classification Sherloc (09022015). Collection method: clinical testing. Allele origin: germline.
Comment: This sequence change replaces glutamine, which is neutral and polar, with arginine, which is basic and polar, at codon 395 of the CDC73 protein (p.Gln395Arg). This variant is present in population databases (rs374856513, gnomAD 0.0009%). This variant has not been reported in the literature in individuals affected with CDC73-related conditions. ClinVar contains an entry for this variant (Variation ID: 654261). Invitae Evidence Modeling of protein sequence and biophysical properties (such as structural, functional, and spatial information, amino acid conservation, physicochemical variation, residue mobility, and thermodynamic stability) indicates that this missense variant is not expected to disrupt CDC73 protein function with a negative predictive value of 80%. In summary, the available evidence is currently insufficient to determine the role of this variant in disease. Therefore, it has been classified as a Variant of Uncertain Significance.

Ambry Genetics
Classification: Uncertain significance for Hereditary cancer-predisposing syndrome. Last evaluated: 2024-03-28. Review status: criteria provided, single submitter. Criteria: Ambry Variant Classification Scheme 2023. Collection method: clinical testing. Allele origin: germline.
Comment: The p.Q395R variant (also known as c.1184A>G), located in coding exon 14 of the CDC73 gene, results from an A to G substitution at nucleotide position 1184. The glutamine at codon 395 is replaced by arginine, an amino acid with highly similar properties. This amino acid position is conserved. In addition, the in silico prediction for this alteration is inconclusive. Since supporting evidence is limited at this time, the clinical significance of this alteration remains unclear.